The following is an entry in ClinVar:

ClinVar aggregate classification (germline): Uncertain significance (1 of 4 stars; one submission).

Submission:

Ambry Genetics
Classification: Uncertain significance. Last evaluated: 2024-04-22. Review status: criteria provided, single submitter. Criteria: Ambry Variant Classification Scheme 2023. Collection method: clinical testing. Allele origin: germline.
Comment: The p.L30V variant (also known as c.88C>G), located in coding exon 1 of the EGLN1 gene, results from a C to G substitution at nucleotide position 88. The leucine at codon 30 is replaced by valine, an amino acid with highly similar properties. This amino acid position is conserved. In addition, the in silico prediction for this alteration is inconclusive. Based on the available evidence, the clinical significance of this variant remains unclear.

NM_022051.3(EGLN1):c.88C>G (p.Leu30Val)

Gene: EGLN1 (egl-9 family hypoxia inducible factor 1; minus strand). Cytogenetic location: 1q42.2.
Variant type: single nucleotide variant.
Coding change: c.88C>G on transcript NM_022051.3 (MANE Select); coding-DNA position 88, C replaced by G.
Protein change: p.Leu30Val; replaces leucine 30 with valine.
Molecular consequence: missense variant.
Genome position (GRCh38, 1-based): chr1:231,421,801, G>C on the plus strand (C>G on the coding strand, the complement: EGLN1 is on the minus strand). VCF-style: chr1-231421801-G-C. GRCh37 (hg19) VCF-style: chr1-231557547-G-C.
Other names: c.88C>G, p.Leu30Val (NM_001377260.1, NM_001377261.1); short protein forms L30V.
Identifiers: ClinVar variation 3274785 (VCV003274785.1).